The following is an entry in ClinVar:

NM_002528.7(NTHL1):c.669C>T (p.Gly223=)

Gene: NTHL1 (nth like DNA glycosylase 1; minus strand). Cytogenetic location: 16p13.3.
Variant type: single nucleotide variant.
Coding change: c.669C>T on transcript NM_002528.7 (MANE Select); coding-DNA position 669, C replaced by T.
Protein change: p.Gly223=; no amino-acid change (glycine 223 retained).
Molecular consequence: synonymous variant.
Genome position (GRCh38, 1-based): chr16:2,043,583, G>A on the plus strand (C>T on the coding strand, the complement: NTHL1 is on the minus strand). VCF-style: chr16-2043583-G-A. GRCh37 (hg19) VCF-style: chr16-2093584-G-A.
Other names: c.498C>T, p.Gly166= (NM_001318193.2); c.339C>T, p.Gly113= (NM_001318194.2).
Identifiers: ClinVar variation 1558928 (VCV001558928.11), dbSNP rs2084297867, ClinGen allele CA492951724.

ClinVar aggregate classification (germline): Conflicting classifications of pathogenicity. Review status: criteria provided, conflicting classifications (1 of 4 stars). 2 submissions from 2 submitters: Uncertain significance (1); Likely benign (1). Last evaluated 2026-01-26.

Conditions:
Hereditary cancer-predisposing syndrome. Also called: Hereditary neoplastic syndrome; Neoplastic Syndromes, Hereditary; Hereditary Cancer Syndrome; Tumor predisposition. Identifiers: Orphanet 140162, MedGen C0027672, MeSH D009386, MONDO:0015356.

Allele frequency attached by ClinVar (database versions not stated): gnomAD exomes below 0.00001; gnomAD 0.00001; TOPMed 0.00001.
gnomAD v4.1: 5 of 1,608,138 alleles (0.00031%); highest among the groups gnomAD compares: Admixed American, 0.0017%; no homozygotes.

Submissions (2):

Labcorp Genetics (formerly Invitae), Labcorp
Classification: Likely benign. Last evaluated: 2026-01-26. Review status: criteria provided, single submitter. Criteria: Invitae Variant Classification Sherloc (09022015). Collection method: clinical testing. Allele origin: germline.

Ambry Genetics
Classification: Uncertain significance for Hereditary cancer-predisposing syndrome. Last evaluated: 2025-01-22. Review status: criteria provided, single submitter. Criteria: Ambry Variant Classification Scheme 2023. Collection method: clinical testing. Allele origin: germline.
Comment: The c.693C>T variant (also known as p.G231G), located in coding exon 4 of the NTHL1 gene, results from a C to T substitution at nucleotide position 693. This nucleotide substitution does not change the glycine at codon 231. This nucleotide position is well conserved in available vertebrate species. In silico splice site analysis for this alteration is inconclusive. Since supporting evidence is limited at this time, the clinical significance of this alteration remains unclear.